The following is an entry in ClinVar:

ClinVar aggregate classification (germline): Uncertain significance (1 of 4 stars; one submission).

Submission:

GeneDx
Classification: Uncertain significance. Last evaluated: 2024-05-01. Review status: criteria provided, single submitter. Criteria: GeneDx Variant Classification Process June 2021. Collection method: clinical testing. Allele origin: germline. Affected: yes.
Comment: Not observed at significant frequency in large population cohorts (gnomAD); In silico analysis supports that this missense variant has a deleterious effect on protein structure/function; Has not been previously published as pathogenic or benign to our knowledge

NM_181672.3(OGT):c.332A>G (p.His111Arg)

Gene: OGT (O-linked N-acetylglucosamine (GlcNAc) transferase; plus strand). Cytogenetic location: Xq13.1.
Variant type: single nucleotide variant.
Coding change: c.332A>G on transcript NM_181672.3 (MANE Select); coding-DNA position 332, A replaced by G.
Protein change: p.His111Arg; replaces histidine 111 with arginine.
Molecular consequence: missense variant.
Genome position (GRCh38, 1-based): chrX:71,537,942, A>G. VCF-style: chrX-71537942-A-G. GRCh37 (hg19) VCF-style: chrX-70757792-A-G.
Other names: c.302A>G, p.His101Arg (NM_181673.3); short protein forms H101R, H111R.
Identifiers: ClinVar variation 3381468 (VCV003381468.1).
Genomic context (GRCh38, chrX:71,537,942, plus strand): 5'-CTTATTCGAATTTGGGGAATGTGTACAAGGAAAGAGGGCAGTTGCAGGAGGCAATTGAGC[A>G]TTATCGACATGCATTGCGTCTCAAACCTGATTTCATCGATGGTTATATTAACCTGGCAGC-3'
Protein context (NP_858058.1, residues 101-121): ERGQLQEAIE[His111Arg]YRHALRLKPD